The following is an entry in ClinVar:

ClinVar aggregate classification (germline): Uncertain significance. Review status: criteria provided, multiple submitters, no conflicts (2 of 4 stars). 2 submissions from 2 submitters: Uncertain significance (2). Last evaluated 2024-12-19.

Conditions:
Myosin storage myopathy (CMYO7A). Also called: MYOPATHY WITH LYSIS OF TYPE I MYOFIBRILS; MYOPATHY, HYALINE BODY, AUTOSOMAL DOMINANT; MYH7-related late-onset scapuloperoneal muscular dystrophy; Congenital myopathy 7A, myosin storage, autosomal dominant; Scapuloperoneal myopathy, MYH7-related; SCAPULOPERONEAL MUSCULAR DYSTROPHY. Identifiers: Orphanet 437572, Orphanet 636965, MedGen C1842160, MONDO:0008409, OMIM 608358.
Hypertrophic cardiomyopathy. Also called: HYPERTROPHIC MYOCARDIOPATHY. Identifiers: Orphanet 217569, MedGen C0007194, MeSH D002312, MONDO:0005045, HP:0001639.

Submissions (2):

Genomic Medicine Center of Excellence, King Faisal Specialist Hospital and Research Centre
Classification: Uncertain significance for Myosin storage myopathy. Last evaluated: 2024-12-19. Review status: criteria provided, single submitter. Criteria: ACMG Guidelines, 2015. Collection method: clinical testing. Allele origin: germline.

Labcorp Genetics (formerly Invitae), Labcorp
Classification: Uncertain significance for Hypertrophic cardiomyopathy. Last evaluated: 2020-03-06. Review status: criteria provided, single submitter. Criteria: Invitae Variant Classification Sherloc (09022015). Collection method: clinical testing. Allele origin: germline.
Comment: This sequence change replaces glutamic acid with lysine at codon 98 of the MYH7 protein (p.Glu98Lys). The glutamic acid residue is highly conserved and there is a small physicochemical difference between glutamic acid and lysine. This variant is not present in population databases (ExAC no frequency). This variant has not been reported in the literature in individuals with MYH7-related conditions. Algorithms developed to predict the effect of missense changes on protein structure and function are either unavailable or do not agree on the potential impact of this missense change (SIFT: "Deleterious"; PolyPhen-2: "Probably Damaging"; Align-GVGD: "Class C0"). In summary, the available evidence is currently insufficient to determine the role of this variant in disease. Therefore, it has been classified as a Variant of Uncertain Significance.

NM_000257.4(MYH7):c.292G>A (p.Glu98Lys)

Gene: MYH7 (myosin heavy chain 7; minus strand). Cytogenetic location: 14q11.2.
Variant type: single nucleotide variant.
Coding change: c.292G>A on transcript NM_000257.4 (MANE Select); coding-DNA position 292, G replaced by A.
Protein change: p.Glu98Lys; replaces glutamic acid 98 with lysine.
Molecular consequence: missense variant.
Genome position (GRCh38, 1-based): chr14:23,433,137, C>T on the plus strand (G>A on the coding strand, the complement: MYH7 is on the minus strand). VCF-style: chr14-23433137-C-T. GRCh37 (hg19) VCF-style: chr14-23902346-C-T.
Other names: short protein forms E98K.
Identifiers: ClinVar variation 1038562 (VCV001038562.9), dbSNP rs1440846436, ClinGen allele CA389053206.